The following is an entry in ClinVar:

NM_001145308.5(LRTOMT):c.314G>A (p.Trp105Ter)

Genes: LRTOMT (leucine rich transmembrane and O-methyltransferase domain containing; plus strand), TOMT (transmembrane O-methyltransferase; plus strand). Cytogenetic location: 11q13.4.
Variant type: single nucleotide variant.
Coding change: c.314G>A on transcript NM_001145308.5; coding-DNA position 314, G replaced by A.
Protein change: p.Trp105Ter; replaces tryptophan 105 with a stop codon.
Molecular consequence: nonsense.
Genome position (GRCh38, 1-based): chr11:72,106,166, G>A. VCF-style: chr11-72106166-G-A. GRCh37 (hg19) VCF-style: chr11-71817212-G-A.
Other names: c.215G>A, p.Trp72Ter (NM_001393500.2); c.314G>A, p.Trp105Ter (NM_001145309.4); c.194G>A, p.Trp65Ter (NM_001145310.4); short protein forms W105*, W65*, W72*.
Identifiers: ClinVar variation 3601216 (VCV003601216.1).
Genomic context (GRCh38, chr11:72,106,166, plus strand): 5'-ACGTGCTCACCCATGCCCTGCCCGGTGACCCTGGTCACATCCTCACCACCCTGGACCACT[G>A]GAGCAGCCGCTGCGAGTACTTGAGCCACATGGGGCCTGTCAAAGGTCAGTGTTCCCTAGC-3'

ClinVar aggregate classification (germline): Pathogenic (1 of 4 stars; one submission).

Conditions:
Autosomal recessive nonsyndromic hearing loss 63. Identifiers: Orphanet 90636, MedGen C1969621, MONDO:0012670, OMIM 611451.

Submission:

Institute of Rare Diseases, West China Hospital, Sichuan University
Classification: Pathogenic for Autosomal recessive nonsyndromic hearing loss 63. Last evaluated: 2025-01-09. Review status: criteria provided, single submitter. Criteria: ClinGen HL ACMG Specifications v1. Collection method: research. Allele origin: germline. Affected: yes.
Comment: PVS1;PM3;PM2_Supporting